The following is an entry in ClinVar:

ClinVar aggregate classification (germline): Pathogenic (1 of 4 stars; one submission).

Submission:

Labcorp Genetics (formerly Invitae), Labcorp
Classification: Pathogenic. Last evaluated: 2023-06-29. Review status: criteria provided, single submitter. Criteria: Invitae Variant Classification Sherloc (09022015). Collection method: clinical testing. Allele origin: germline.
Comment: For these reasons, this variant has been classified as Pathogenic. This variant has not been reported in the literature in individuals affected with C8B-related conditions. This variant is a gross deletion of the genomic region encompassing exon(s) 5 of the C8B gene. This deletion is out-of-frame, and is expected to create a premature termination codon and result in an absent or disrupted protein product. Loss-of-function variants in C8B are known to be pathogenic (PMID: 7594510).

Literature cited by the submitters: PubMed 7594510.

NC_000001.10:g.(?_57417701)_(57417873_?)del

Gene: C8B (complement C8 beta chain; minus strand). Cytogenetic location: 1p32.2.
Variant type: Deletion.
Identifiers: ClinVar variation 1073946 (VCV001073946.6).